The following is an entry in ClinVar:

ClinVar aggregate classification (germline): Uncertain significance. Review status: criteria provided, multiple submitters, no conflicts (2 of 4 stars). 2 submissions from 2 submitters: Uncertain significance (2). Last evaluated 2024-04-01.

Conditions:
Cardiovascular phenotype. Identifiers: MedGen CN230736.

Submissions (2):

CeGaT Center for Human Genetics Tuebingen
Classification: Uncertain significance. Last evaluated: 2024-04-01. Review status: criteria provided, single submitter. Criteria: CeGaT Center For Human Genetics Tuebingen Variant Classification Criteria Version 2. Collection method: clinical testing. Allele origin: germline. Affected: yes. Observed: 1 variant allele.
Comment: MYH7: PM2

Ambry Genetics
Classification: Uncertain significance for Cardiovascular phenotype. Last evaluated: 2016-02-01. Review status: criteria provided, single submitter. Criteria: Ambry Variant Classification Scheme 2023. Collection method: clinical testing. Allele origin: germline.
Comment: The p.D956E variant (also known as c.2868T>A), located in coding exon 21 of the MYH7 gene, results from a T to A substitution at nucleotide position 2868. The aspartic acid at codon 956 is replaced by glutamic acid, an amino acid with highly similar properties. This variant was not reported in population based cohorts in the following databases: Database of Single Nucleotide Polymorphisms (dbSNP), NHLBI Exome Sequencing Project (ESP), and 1000 Genomes Project. In the ESP, this variant was not observed in 6503 samples (13006 alleles) with coverage at this position. This amino acid position is highly conserved in available vertebrate species; however, glutamic acid is the reference amino acid in other vertebrate species. In addition, the in silico prediction for this alteration is inconclusive. Since supporting evidence is limited at this time, the clinical significance of this variant remains unclear.

NM_000257.4(MYH7):c.2868T>A (p.Asp956Glu)

Gene: MYH7 (myosin heavy chain 7; minus strand). Cytogenetic location: 14q11.2.
Variant type: single nucleotide variant.
Coding change: c.2868T>A on transcript NM_000257.4 (MANE Select); coding-DNA position 2868, T replaced by A.
Protein change: p.Asp956Glu; replaces aspartic acid 956 with glutamic acid.
Molecular consequence: missense variant.
Genome position (GRCh38, 1-based): chr14:23,423,961, A>T on the plus strand (T>A on the coding strand, the complement: MYH7 is on the minus strand). VCF-style: chr14-23423961-A-T. GRCh37 (hg19) VCF-style: chr14-23893170-A-T.
Other names: c.2868T>A (LRG_384t1); short protein forms D956E.
Identifiers: ClinVar variation 520266 (VCV000520266.25), dbSNP rs140718120, ClinGen allele CA389046760.
Genomic context (GRCh38, chr14:23,423,961, plus strand): 5'-CCTTACCTTGTTCTCTGTTGCGTGTTTCTCCTTCTCCACTTTGGCCAGTGTCAGCTCCAG[A>T]TCATCGATGTCCCTTTTGAGCTCTGAGCACTCATCTTCCAGCTTGCGCTTCTTGGCAGTG-3'
Protein context (NP_000248.2, residues 946-966): ECSELKRDID[Asp956Glu]LELTLAKVEK